The following is an entry in ClinVar:

ClinVar aggregate classification (germline): Uncertain significance (1 of 4 stars; one submission).

Allele frequency attached by ClinVar (database versions not stated): TOPMed 0.00002; 1000 Genomes Project 30x 0.00016; 1000 Genomes Project 0.00020.
gnomAD v4.1: 6 of 1,614,008 alleles (0.00037%); highest among the groups gnomAD compares: African/African-American, 0.008%; no homozygotes.

Submission:

Labcorp Genetics (formerly Invitae), Labcorp
Classification: Uncertain significance. Last evaluated: 2022-11-29. Review status: criteria provided, single submitter. Criteria: Invitae Variant Classification Sherloc (09022015). Collection method: clinical testing. Allele origin: germline.
Comment: Algorithms developed to predict the effect of sequence changes on RNA splicing suggest that this variant may create or strengthen a splice site. In summary, the available evidence is currently insufficient to determine the role of this variant in disease. Therefore, it has been classified as a Variant of Uncertain Significance. ClinVar contains an entry for this variant (Variation ID: 1383379). This variant has not been reported in the literature in individuals affected with JAM3-related conditions. This variant is present in population databases (rs201224599, gnomAD 0.007%). This sequence change falls in intron 8 of the JAM3 gene. It does not directly change the encoded amino acid sequence of the JAM3 protein.

NM_032801.5(JAM3):c.898-8C>A

Gene: JAM3 (junctional adhesion molecule 3; plus strand). Cytogenetic location: 11q25.
Variant type: single nucleotide variant.
Coding change: c.898-8C>A on transcript NM_032801.5 (MANE Select); 8 bases into the intron before coding-DNA position 898, C replaced by A.
Molecular consequence: intron variant.
Genome position (GRCh38, 1-based): chr11:134,149,138, C>A. VCF-style: chr11-134149138-C-A. GRCh37 (hg19) VCF-style: chr11-134019033-C-A.
Other names: c.745-8C>A (NM_001205329.2).
Identifiers: ClinVar variation 1383379 (VCV001383379.6), dbSNP rs201224599, ClinGen allele CA6370285.